The following is an entry in ClinVar:

NM_014444.5(TUBGCP4):c.1778G>A (p.Cys593Tyr)

Genes: TP53BP1 (tumor protein p53 binding protein 1; minus strand), TUBGCP4 (tubulin gamma complex component 4; plus strand). Cytogenetic location: 15q15.3.
Variant type: single nucleotide variant.
Coding change: c.1778G>A on transcript NM_014444.5 (MANE Select); coding-DNA position 1778, G replaced by A.
Protein change: p.Cys593Tyr; replaces cysteine 593 with tyrosine.
Molecular consequence: missense variant. On other transcripts: 3 prime UTR variant (5).
Genome position (GRCh38, 1-based): chr15:43,403,729, G>A. VCF-style: chr15-43403729-G-A. GRCh37 (hg19) VCF-style: chr15-43695927-G-A.
Other names: c.1781G>A, p.Cys594Tyr (NM_001286414.3); c.*3654C>T (NM_001141979.3, NM_001141980.3, NM_001355001.2 and 2 more transcripts); short protein forms C594Y, C593Y.
Identifiers: ClinVar variation 1370123 (VCV001370123.6), dbSNP rs2142896390, ClinGen allele CA392139611.

ClinVar aggregate classification (germline): Uncertain significance (1 of 4 stars; one submission).

Submission:

Labcorp Genetics (formerly Invitae), Labcorp
Classification: Uncertain significance. Last evaluated: 2022-01-13. Review status: criteria provided, single submitter. Criteria: Invitae Variant Classification Sherloc (09022015). Collection method: clinical testing. Allele origin: germline.
Comment: Algorithms developed to predict the effect of missense changes on protein structure and function are either unavailable or do not agree on the potential impact of this missense change (SIFT: "Deleterious"; PolyPhen-2: "Benign"; Align-GVGD: "Class C0"). In summary, the available evidence is currently insufficient to determine the role of this variant in disease. Therefore, it has been classified as a Variant of Uncertain Significance. This variant has not been reported in the literature in individuals affected with TUBGCP4-related conditions. This variant is not present in population databases (gnomAD no frequency). This sequence change replaces cysteine, which is neutral and slightly polar, with tyrosine, which is neutral and polar, at codon 594 of the TUBGCP4 protein (p.Cys594Tyr).